The following is an entry in ClinVar:

ClinVar aggregate classification (germline): Likely pathogenic (1 of 4 stars; one submission).

Submission:

GeneDx
Classification: Likely pathogenic. Last evaluated: 2025-02-01. Review status: criteria provided, single submitter. Criteria: GeneDx Variant Classification Process June 2021. Collection method: clinical testing. Allele origin: germline. Affected: yes.
Comment: Canonical splice site variant predicted to result in an in-frame loss of the adjacent exon in a gene for which loss of function is a known mechanism of disease; Not observed at significant frequency in large population cohorts (gnomAD); Has not been previously published as pathogenic or benign to our knowledge

NM_006438.5(COLEC10):c.442+1G>A

Gene: COLEC10 (collectin subfamily member 10; plus strand). Cytogenetic location: 8q24.12.
Variant type: single nucleotide variant.
Coding change: c.442+1G>A on transcript NM_006438.5 (MANE Select); the canonical splice donor site of the intron after coding-DNA position 442, G replaced by A.
Molecular consequence: splice donor variant.
Genome position (GRCh38, 1-based): chr8:119,103,896, G>A. VCF-style: chr8-119103896-G-A. GRCh37 (hg19) VCF-style: chr8-120116135-G-A.
Other names: c.235+1G>A (NM_001324095.2).
Identifiers: ClinVar variation 4072585 (VCV004072585.1).